The following is an entry in ClinVar:

ClinVar aggregate classification (germline): Uncertain significance. Review status: criteria provided, multiple submitters, no conflicts (2 of 4 stars). 3 submissions from 3 submitters: Uncertain significance (3). Last evaluated 2025-05-14.

Conditions:
Inborn genetic diseases. Identifiers: MedGen C0950123, MeSH D030342.

Allele frequency attached by ClinVar (database versions not stated): gnomAD 0.00001; gnomAD exomes 0.00001.
gnomAD v4.1: 12 of 1,610,958 alleles (0.00074%); highest among the groups gnomAD compares: Non-Finnish European, 0.00093%; no homozygotes.

Submissions (3):

Labcorp Genetics (formerly Invitae), Labcorp
Classification: Uncertain significance. Last evaluated: 2025-05-14. Review status: criteria provided, single submitter. Criteria: Invitae Variant Classification Sherloc (09022015). Collection method: clinical testing. Allele origin: germline.
Comment: This sequence change replaces asparagine, which is neutral and polar, with histidine, which is basic and polar, at codon 852 of the ADCY5 protein (p.Asn852His). This variant is not present in population databases (gnomAD no frequency). This variant has not been reported in the literature in individuals affected with ADCY5-related conditions. ClinVar contains an entry for this variant (Variation ID: 2486153). Invitae Evidence Modeling of protein sequence and biophysical properties (such as structural, functional, and spatial information, amino acid conservation, physicochemical variation, residue mobility, and thermodynamic stability) has been performed for this missense variant. However, the output from this modeling did not meet the statistical confidence thresholds required to predict the impact of this variant on ADCY5 protein function. In summary, the available evidence is currently insufficient to determine the role of this variant in disease. Therefore, it has been classified as a Variant of Uncertain Significance.

Blueprint Genetics
Classification: Uncertain significance. Last evaluated: 2023-09-12. Review status: criteria provided, single submitter. Criteria: ACMG Guidelines, 2015. Collection method: clinical testing. Allele origin: germline.

Ambry Genetics
Classification: Uncertain significance for Inborn genetic diseases. Last evaluated: 2023-02-16. Review status: criteria provided, single submitter. Criteria: Ambry Variant Classification Scheme 2023. Collection method: clinical testing. Allele origin: germline.

NM_183357.3(ADCY5):c.2554A>C (p.Asn852His)

Gene: ADCY5 (adenylate cyclase 5; minus strand). Cytogenetic location: 3q21.1.
Variant type: single nucleotide variant.
Coding change: c.2554A>C on transcript NM_183357.3 (MANE Select); coding-DNA position 2554, A replaced by C.
Protein change: p.Asn852His; replaces asparagine 852 with histidine.
Molecular consequence: missense variant.
Genome position (GRCh38, 1-based): chr3:123,304,072, T>G on the plus strand (A>C on the coding strand, the complement: ADCY5 is on the minus strand). VCF-style: chr3-123304072-T-G. GRCh37 (hg19) VCF-style: chr3-123022919-T-G.
Other names: c.1504A>C, p.Asn502His (NM_001199642.1); c.2554A>C, p.Asn852His (NM_001378259.1); short protein forms N852H, N502H.
Identifiers: ClinVar variation 2486153 (VCV002486153.4), dbSNP rs1451381796, ClinGen allele CA354225321.